The following is an entry in ClinVar:

NM_000059.4(BRCA2):c.9359T>G (p.Ile3120Ser)

Gene: BRCA2 (BRCA2 DNA repair associated; plus strand). Cytogenetic location: 13q13.1.
Variant type: single nucleotide variant.
Coding change: c.9359T>G on transcript NM_000059.4 (MANE Select); coding-DNA position 9359, T replaced by G.
Protein change: p.Ile3120Ser; replaces isoleucine 3120 with serine.
Molecular consequence: missense variant. On other transcripts: non-coding transcript variant (1).
Genome position (GRCh38, 1-based): chr13:32,394,791, T>G. VCF-style: chr13-32394791-T-G. GRCh37 (hg19) VCF-style: chr13-32968928-T-G.
Other names: c.9308T>G, p.Ile3103Ser (NM_001406720.1); c.4427T>G, p.Ile1476Ser (NM_001406721.1); c.2942T>G, p.Ile981Ser (NM_001406722.1); c.9263T>G, p.Ile3088Ser (NM_001406719.1); short protein forms I1476S, I3088S, I3120S, I3103S, I981S.
Identifiers: ClinVar variation 2749866 (VCV002749866.3), dbSNP rs2137653105, ClinGen allele CA387761144.

ClinVar aggregate classification (germline): Uncertain significance (1 of 4 stars; one submission).

Conditions:
Hereditary breast ovarian cancer syndrome. Also called: Hereditary breast and ovarian cancer; Hereditary breast and ovarian cancer syndrome; Breast and ovarian cancer; BRCA1- and BRCA2-Associated Hereditary Breast and Ovarian Cancer; Hereditary breast and ovarian cancer syndrome (HBOC); Hereditary breast and/or ovarian cancer syndrome. Identifiers: Orphanet 145, MedGen C0677776, MeSH D061325, MONDO:0003582. Disease mechanism: loss of function.

Submission:

Labcorp Genetics (formerly Invitae), Labcorp
Classification: Uncertain significance for Hereditary breast ovarian cancer syndrome. Last evaluated: 2023-08-08. Review status: criteria provided, single submitter. Criteria: Invitae Variant Classification Sherloc (09022015). Collection method: clinical testing. Allele origin: germline.
Comment: In summary, the available evidence is currently insufficient to determine the role of this variant in disease. Therefore, it has been classified as a Variant of Uncertain Significance. Advanced modeling of protein sequence and biophysical properties (such as structural, functional, and spatial information, amino acid conservation, physicochemical variation, residue mobility, and thermodynamic stability) performed at Invitae indicates that this missense variant is not expected to disrupt BRCA2 protein function. This variant has not been reported in the literature in individuals affected with BRCA2-related conditions. This variant is not present in population databases (gnomAD no frequency). This sequence change replaces isoleucine, which is neutral and non-polar, with serine, which is neutral and polar, at codon 3120 of the BRCA2 protein (p.Ile3120Ser).